The following is an entry in ClinVar:

ClinVar aggregate classification (germline): Uncertain significance. Review status: criteria provided, multiple submitters, no conflicts (2 of 4 stars). 3 submissions from 2 submitters: Uncertain significance (3). Last evaluated 2022-07-30.

Conditions:
Muscular dystrophy-dystroglycanopathy (congenital with brain and eye anomalies), type A6. Also called: WALKER-WARBURG SYNDROME OR MUSCLE-EYE-BRAIN DISEASE, LARGE-RELATED; MUSCULAR DYSTROPHY-DYSTROGLYCANOPATHY (CONGENITAL WITH BRAIN AND EYE ANOMALIES), TYPE A, 6. Identifiers: Orphanet 588, Orphanet 899, MedGen C3150414, MONDO:0013158, OMIM 613154.
Muscular dystrophy-dystroglycanopathy type B6 (MDDGB6). Also called: MUSCULAR DYSTROPHY, CONGENITAL, LARGE-RELATED; MUSCULAR DYSTROPHY, CONGENITAL, TYPE 1D; MUSCULAR DYSTROPHY-DYSTROGLYCANOPATHY (CONGENITAL WITH IMPAIRED INTELLECTUAL DEVELOPMENT), TYPE B, 6. Identifiers: MedGen C1837229, MONDO:0012138, OMIM 608840.

Allele frequency attached by ClinVar (database versions not stated): gnomAD exomes below 0.00001.
gnomAD v4.1: 4 of 1,614,266 alleles (0.00025%); highest among the groups gnomAD compares: East Asian, 0.0022%; no homozygotes.

Submissions (3):

Labcorp Genetics (formerly Invitae), Labcorp
Classification: Uncertain significance for Muscular dystrophy-dystroglycanopathy type B6. Last evaluated: 2022-07-30. Review status: criteria provided, single submitter. Criteria: Invitae Variant Classification Sherloc (09022015). Collection method: clinical testing. Allele origin: germline.
Comment: This sequence change replaces valine, which is neutral and non-polar, with methionine, which is neutral and non-polar, at codon 534 of the LARGE1 protein (p.Val534Met). This variant is present in population databases (no rsID available, gnomAD 0.003%). This variant has not been reported in the literature in individuals affected with LARGE1-related conditions. ClinVar contains an entry for this variant (Variation ID: 901481). Algorithms developed to predict the effect of missense changes on protein structure and function are either unavailable or do not agree on the potential impact of this missense change (SIFT: "Deleterious"; PolyPhen-2: "Probably Damaging"; Align-GVGD: "Class C0"). In summary, the available evidence is currently insufficient to determine the role of this variant in disease. Therefore, it has been classified as a Variant of Uncertain Significance.

Illumina Laboratory Services, Illumina
Classification: Uncertain significance for Muscular dystrophy-dystroglycanopathy type B6. Last evaluated: 2018-01-12. Review status: criteria provided, single submitter. Criteria: ICSL Variant Classification Criteria 13 December 2019. Collection method: clinical testing. Allele origin: germline.

Illumina Laboratory Services, Illumina
Classification: Uncertain significance for Muscular dystrophy-dystroglycanopathy (congenital with brain and eye anomalies), type A6. Last evaluated: 2018-01-12. Review status: criteria provided, single submitter. Criteria: ICSL Variant Classification Criteria 13 December 2019. Collection method: clinical testing. Allele origin: germline.

NM_133642.5(LARGE1):c.1600G>A (p.Val534Met)

Gene: LARGE1 (LARGE xylosyl- and glucuronyltransferase 1; minus strand). Cytogenetic location: 22q12.3.
Variant type: single nucleotide variant.
Coding change: c.1600G>A on transcript NM_133642.5 (MANE Select); coding-DNA position 1600, G replaced by A.
Protein change: p.Val534Met; replaces valine 534 with methionine.
Molecular consequence: missense variant.
Genome position (GRCh38, 1-based): chr22:33,304,359, C>T on the plus strand (G>A on the coding strand, the complement: LARGE1 is on the minus strand). VCF-style: chr22-33304359-C-T. GRCh37 (hg19) VCF-style: chr22-33700345-C-T.
Other names: c.1600G>A, p.Val534Met (NM_001362949.2, NM_001362951.2, NM_001362953.2 and 6 more transcripts); c.1444G>A, p.Val482Met (NM_001378629.1); c.997G>A, p.Val333Met (NM_001378630.1); c.841G>A, p.Val281Met (NM_001378631.1); short protein forms V333M, V534M, V281M, V482M.
Identifiers: ClinVar variation 901481 (VCV000901481.8), dbSNP rs1428533575, ClinGen allele CA411544370.